The following is an entry in ClinVar:

NM_003849.4(SUCLG1):c.826-8del

Gene: SUCLG1 (succinate-CoA ligase GDP/ADP-forming subunit alpha; minus strand). Cytogenetic location: 2p11.2.
Variant type: Deletion.
Coding change: c.826-8del on transcript NM_003849.4 (MANE Select); 8 bases into the intron before coding-DNA position 826, one base deleted (C; older notation c.826-8delC).
Molecular consequence: intron variant.
Genome position (GRCh38, 1-based): chr2:84,425,611, G deleted on the plus strand (C on the coding strand, the reverse complement: SUCLG1 is on the minus strand). VCF-style (leftmost placement, unchanged base first): chr2-84425610-AG-A. GRCh37 (hg19) VCF-style: chr2-84652734-AG-A.
Identifiers: ClinVar variation 516711 (VCV000516711.11), dbSNP rs1176620455, ClinGen allele CA534197985.

ClinVar aggregate classification (germline): Likely benign. Review status: criteria provided, multiple submitters, no conflicts (2 of 4 stars). 2 submissions from 2 submitters: Likely benign (2). Last evaluated 2025-12-22.

Conditions:
Mitochondrial DNA depletion syndrome 9 (MTDPS9). Also called: SUCLG1-Related Mitochondrial DNA Depletion Syndrome, Encephalomyopathic Form with Methylmalonic Aciduria. Identifiers: Orphanet 17, MedGen C3151476, MONDO:0009504, OMIM 245400.

Allele frequency attached by ClinVar (database versions not stated): gnomAD exomes below 0.00001; TOPMed 0.00001; gnomAD 0.00003 and 0.00004.

Submissions (2):

Labcorp Genetics (formerly Invitae), Labcorp
Classification: Likely benign for Mitochondrial DNA depletion syndrome 9. Last evaluated: 2025-12-22. Review status: criteria provided, single submitter. Criteria: Invitae Variant Classification Sherloc (09022015). Collection method: clinical testing. Allele origin: germline.

GeneDx
Classification: Likely benign. Last evaluated: 2017-06-30. Review status: criteria provided, single submitter. Criteria: GeneDx Variant Classification (06012015). Collection method: clinical testing. Allele origin: germline. Affected: yes.
Comment: This variant is considered likely benign or benign based on one or more of the following criteria: it is a conservative change, it occurs at a poorly conserved position in the protein, it is predicted to be benign by multiple in silico algorithms, and/or has population frequency not consistent with disease.